The following is an entry in ClinVar:

NM_001365951.3(KIF1B):c.5329G>A (p.Val1777Ile)

Gene: KIF1B (kinesin family member 1B; plus strand). Cytogenetic location: 1p36.22.
Variant type: single nucleotide variant.
Coding change: c.5329G>A on transcript NM_001365951.3 (MANE Select); coding-DNA position 5329, G replaced by A.
Protein change: p.Val1777Ile; replaces valine 1777 with isoleucine.
Molecular consequence: missense variant.
Genome position (GRCh38, 1-based): chr1:10,375,294, G>A. VCF-style: chr1-10375294-G-A. GRCh37 (hg19) VCF-style: chr1-10435352-G-A.
Other names: c.5329G>A, p.Val1777Ile (NM_001365952.1); c.5191G>A, p.Val1731Ile (NM_015074.3); short protein forms V1731I, V1777I.
Identifiers: ClinVar variation 1745917 (VCV001745917.3), dbSNP rs781002245, ClinGen allele CA582320.

ClinVar aggregate classification (germline): Uncertain significance (1 of 4 stars; one submission).

Allele frequency attached by ClinVar (database versions not stated): ExAC 0.00001.
gnomAD v4.1: 5 of 1,614,162 alleles (0.00031%); highest among the groups gnomAD compares: Non-Finnish European, 0.00042%; no homozygotes.

Submission:

Ambry Genetics
Classification: Uncertain significance. Last evaluated: 2025-09-28. Review status: criteria provided, single submitter. Criteria: Ambry Variant Classification Scheme 2023. Collection method: clinical testing. Allele origin: germline.
Comment: The p.V1731I variant (also known as c.5191G>A), located in coding exon 45 of the KIF1B gene, results from a G to A substitution at nucleotide position 5191. The valine at codon 1731 is replaced by isoleucine, an amino acid with highly similar properties. This amino acid position is not well conserved in available vertebrate species. In addition, this alteration is predicted to be tolerated by in silico analysis. Since supporting evidence is limited at this time, the clinical significance of this alteration remains unclear.